The following is an entry in ClinVar:

NM_002834.5(PTPN11):c.-13G>A

Gene: PTPN11 (protein tyrosine phosphatase non-receptor type 11; plus strand). Cytogenetic location: 12q24.13.
Variant type: single nucleotide variant.
Coding change: c.-13G>A on transcript NM_002834.5 (MANE Select); 13 bases upstream of the start codon, G replaced by A.
Molecular consequence: 5 prime UTR variant.
Genome position (GRCh38, 1-based): chr12:112,419,099, G>A. VCF-style: chr12-112419099-G-A. GRCh37 (hg19) VCF-style: chr12-112856903-G-A.
Other names: c.-13G>A (NM_001330437.2, NM_001374625.1, NM_080601.3 and 1 more transcripts).
Identifiers: ClinVar variation 518159 (VCV000518159.2), dbSNP rs760374212, ClinGen allele CA6798484.

ClinVar aggregate classification (germline): Conflicting classifications of pathogenicity. Review status: criteria provided, conflicting classifications (1 of 4 stars). 2 submissions from 2 submitters: Uncertain significance (1); Likely benign (1). Last evaluated 2023-06-13.

Allele frequency attached by ClinVar (database versions not stated): gnomAD exomes 0.00003 and 0.00004; ExAC 0.00007; gnomAD below 0.00001 and 0.00001; 1000 Genomes Project 30x 0.00016.
gnomAD v4.1: 45 of 1,531,876 alleles (0.0029%); highest among the groups gnomAD compares: South Asian, 0.024%; no homozygotes.

Submissions (2):

Women's Health and Genetics/Laboratory Corporation of America, LabCorp
Classification: Uncertain significance. Last evaluated: 2023-06-13. Review status: criteria provided, single submitter. Criteria: LabCorp Variant Classification Summary - May 2015. Collection method: clinical testing. Allele origin: germline.

GeneDx
Classification: Likely benign. Last evaluated: 2017-07-05. Review status: criteria provided, single submitter. Criteria: GeneDx Variant Classification (06012015). Collection method: clinical testing. Allele origin: germline. Affected: yes.
Comment: This variant is considered likely benign or benign based on one or more of the following criteria: it is a conservative change, it occurs at a poorly conserved position in the protein, it is predicted to be benign by multiple in silico algorithms, and/or has population frequency not consistent with disease.